The following is an entry in ClinVar:

NM_006231.4(POLE):c.4295C>A (p.Pro1432Gln)

Gene: POLE (DNA polymerase epsilon, catalytic subunit; minus strand). Cytogenetic location: 12q24.33.
Variant type: single nucleotide variant.
Coding change: c.4295C>A on transcript NM_006231.4 (MANE Select); coding-DNA position 4295, C replaced by A.
Protein change: p.Pro1432Gln; replaces proline 1432 with glutamine.
Molecular consequence: missense variant.
Genome position (GRCh38, 1-based): chr12:132,643,556, G>T on the plus strand (C>A on the coding strand, the complement: POLE is on the minus strand). VCF-style: chr12-132643556-G-T. GRCh37 (hg19) VCF-style: chr12-133220142-G-T.
Other names: c.4295C>A (NM_006231.2); short protein forms P1432Q.
Identifiers: ClinVar variation 540731 (VCV000540731.11), dbSNP rs371712284, ClinGen allele CA6892891.

ClinVar aggregate classification (germline): Uncertain significance. Review status: criteria provided, multiple submitters, no conflicts (2 of 4 stars). 4 submissions from 4 submitters: Uncertain significance (4). Last evaluated 2025-11-27.

Conditions:
POLE-related disorder. Also called: POLE-related disorders; POLE-related condition.
Hereditary cancer-predisposing syndrome. Also called: Tumor predisposition; Hereditary neoplastic syndrome; Neoplastic Syndromes, Hereditary; Hereditary Cancer Syndrome. Identifiers: Orphanet 140162, MedGen C0027672, MeSH D009386, MONDO:0015356.

Allele frequency attached by ClinVar (database versions not stated): gnomAD 0.00001; TOPMed 0.00004; ESP Exome Variant Server 0.00008.
gnomAD v4.1: 6 of 1,613,928 alleles (0.00037%); highest among the groups gnomAD compares: South Asian, 0.0011%; no homozygotes.

Submissions (4):

Labcorp Genetics (formerly Invitae), Labcorp
Classification: Uncertain significance. Last evaluated: 2025-11-27. Review status: criteria provided, single submitter. Criteria: Invitae Variant Classification Sherloc (09022015). Collection method: clinical testing. Allele origin: germline.
Comment: This sequence change replaces proline, which is neutral and non-polar, with glutamine, which is neutral and polar, at codon 1432 of the POLE protein (p.Pro1432Gln). This variant is present in population databases (rs371712284, gnomAD 0.006%). This variant has not been reported in the literature in individuals affected with POLE-related conditions. ClinVar contains an entry for this variant (Variation ID: 540731). Invitae Evidence Modeling of protein sequence and biophysical properties (such as structural, functional, and spatial information, amino acid conservation, physicochemical variation, residue mobility, and thermodynamic stability) indicates that this missense variant is not expected to disrupt POLE protein function with a negative predictive value of 80%. In summary, the available evidence is currently insufficient to determine the role of this variant in disease. Therefore, it has been classified as a Variant of Uncertain Significance.

PreventionGenetics, part of Exact Sciences
Classification: Uncertain significance for POLE-related condition. Last evaluated: 2025-06-10. Review status: criteria provided, single submitter. Criteria: ACMG Guidelines, 2015. Collection method: clinical testing. Allele origin: germline.
Comment: The POLE c.4295C>A variant is predicted to result in the amino acid substitution p.Pro1432Gln. To our knowledge, this variant has not been reported in the literature. This variant is reported in 0.0065% of alleles in individuals of South Asian descent in gnomAD, and is classified as uncertain in ClinVar. At this time, the clinical significance of this variant is uncertain due to the absence of conclusive functional and genetic evidence.

Ambry Genetics
Classification: Uncertain significance for Hereditary cancer-predisposing syndrome. Last evaluated: 2024-04-26. Review status: criteria provided, single submitter. Criteria: Ambry Variant Classification Scheme 2023. Collection method: clinical testing. Allele origin: germline.
Comment: The p.P1432Q variant (also known as c.4295C>A), located in coding exon 34 of the POLE gene, results from a C to A substitution at nucleotide position 4295. The proline at codon 1432 is replaced by glutamine, an amino acid with similar properties. This amino acid position is conserved. In addition, the in silico prediction for this alteration is inconclusive. Based on the available evidence, the clinical significance of this variant remains unclear.

Quest Diagnostics Nichols Institute San Juan Capistrano
Classification: Uncertain significance. Last evaluated: 2019-12-30. Review status: criteria provided, single submitter. Criteria: Quest Diagnostics criteria. Collection method: clinical testing. Allele origin: unknown.